The following is an entry in ClinVar:

ClinVar aggregate classification (germline): Uncertain significance (1 of 4 stars; one submission).

Submission:

Labcorp Genetics (formerly Invitae), Labcorp
Classification: Uncertain significance. Last evaluated: 2024-02-15. Review status: criteria provided, single submitter. Criteria: Invitae Variant Classification Sherloc (09022015). Collection method: clinical testing. Allele origin: germline.
Comment: This sequence change replaces arginine, which is basic and polar, with histidine, which is basic and polar, at codon 381 of the SEPT9 protein (p.Arg381His). This variant is not present in population databases (gnomAD no frequency). This variant has not been reported in the literature in individuals affected with SEPT9-related conditions. Advanced modeling of protein sequence and biophysical properties (such as structural, functional, and spatial information, amino acid conservation, physicochemical variation, residue mobility, and thermodynamic stability) performed at Invitae indicates that this missense variant is expected to disrupt SEPT9 protein function with a positive predictive value of 80%. In summary, the available evidence is currently insufficient to determine the role of this variant in disease. Therefore, it has been classified as a Variant of Uncertain Significance.

NM_001113491.2(SEPTIN9):c.1196G>A (p.Arg399His)

Gene: SEPTIN9 (septin 9; plus strand). Cytogenetic location: 17q25.3.
Variant type: single nucleotide variant.
Coding change: c.1196G>A on transcript NM_001113491.2 (MANE Select); coding-DNA position 1196, G replaced by A.
Protein change: p.Arg399His; replaces arginine 399 with histidine.
Molecular consequence: missense variant.
Genome position (GRCh38, 1-based): chr17:77,488,798, G>A. VCF-style: chr17-77488798-G-A. GRCh37 (hg19) VCF-style: chr17-75484880-G-A.
Other names: c.704G>A, p.Arg235His (NM_001113492.2, NM_001113494.1); c.1175G>A, p.Arg392His (NM_001113493.2); c.443G>A, p.Arg148His (NM_001113495.2, NM_001113496.2, NM_001293697.2 and 1 more transcripts); c.1139G>A, p.Arg380His (NM_001293695.2); c.524G>A, p.Arg175His (NM_001293696.2); c.1142G>A, p.Arg381His (NM_006640.5); short protein forms R148H, R175H, R235H, R380H, R381H, R392H, R399H.
Identifiers: ClinVar variation 3611459 (VCV003611459.2).